The following is an entry in ClinVar:

ClinVar aggregate classification (germline): Pathogenic (1 of 4 stars; one submission).

gnomAD v4.1: 1 of 1,613,032 alleles (0.000062%); highest among the groups gnomAD compares: Non-Finnish European, 0.000085%; no homozygotes.

Submission:

Labcorp Genetics (formerly Invitae), Labcorp
Classification: Pathogenic. Last evaluated: 2025-10-09. Review status: criteria provided, single submitter. Criteria: Invitae Variant Classification Sherloc (09022015). Collection method: clinical testing. Allele origin: germline.
Comment: This sequence change creates a premature translational stop signal (p.Trp1027*) in the EPRS gene. It is expected to result in an absent or disrupted protein product. Loss-of-function variants in EPRS are known to be pathogenic (PMID: 29576217). This variant is not present in population databases (gnomAD no frequency). This variant has not been reported in the literature in individuals affected with EPRS-related conditions. For these reasons, this variant has been classified as Pathogenic.

Literature cited by the submitters: PubMed 29576217.

NM_004446.3(EPRS1):c.3081G>A (p.Trp1027Ter)

Gene: EPRS1 (glutamyl-prolyl-tRNA synthetase 1; minus strand). Cytogenetic location: 1q41.
Variant type: single nucleotide variant.
Coding change: c.3081G>A on transcript NM_004446.3 (MANE Select); coding-DNA position 3081, G replaced by A.
Protein change: p.Trp1027Ter; replaces tryptophan 1027 with a stop codon.
Molecular consequence: nonsense.
Genome position (GRCh38, 1-based): chr1:219,984,215, C>T on the plus strand (G>A on the coding strand, the complement: EPRS1 is on the minus strand). VCF-style: chr1-219984215-C-T. GRCh37 (hg19) VCF-style: chr1-220157557-C-T.
Other names: short protein forms W1027*.
Identifiers: ClinVar variation 4774745 (VCV004774745.1).